The following is an entry in ClinVar:

NM_004036.5(ADCY3):c.1963C>A (p.Pro655Thr)

Gene: ADCY3 (adenylate cyclase 3; minus strand). Cytogenetic location: 2p23.3.
Variant type: single nucleotide variant.
Coding change: c.1963C>A on transcript NM_004036.5 (MANE Select); coding-DNA position 1963, C replaced by A.
Protein change: p.Pro655Thr; replaces proline 655 with threonine.
Molecular consequence: missense variant.
Genome position (GRCh38, 1-based): chr2:24,834,489, G>T on the plus strand (C>A on the coding strand, the complement: ADCY3 is on the minus strand). VCF-style: chr2-24834489-G-T. GRCh37 (hg19) VCF-style: chr2-25057358-G-T.
Other names: c.1963C>A, p.Pro655Thr (NM_001320613.2, NM_001377129.1, NM_001377130.1 and 1 more transcripts); c.2029C>A, p.Pro677Thr (NM_001377128.1); c.1240C>A, p.Pro414Thr (NM_001377131.1); short protein forms P677T, P655T, P414T.
Identifiers: ClinVar variation 4977906 (VCV004977906.1).

ClinVar aggregate classification (germline): Uncertain significance (1 of 4 stars; one submission).

Conditions:
ADCY3-related disorder. Also called: ADCY3-related condition.

Submission:

PreventionGenetics, part of Exact Sciences
Classification: Uncertain significance for ADCY3-related condition. Last evaluated: 2026-09-10. Review status: criteria provided, single submitter. Criteria: ACMG Guidelines, 2015. Collection method: clinical testing. Allele origin: germline.
Comment: The ADCY3 c.1963C>A variant is predicted to result in the amino acid substitution p.Pro655Thr. To our knowledge, this variant has not been reported in the literature or in a large population database (gnomAD), indicating this variant is rare. At this time, the clinical significance of this variant is uncertain due to the absence of conclusive functional and genetic evidence.